The following is an entry in ClinVar:

NM_001009944.3(PKD1):c.9407_9426del (p.Ala3136fs)

Gene: PKD1 (polycystin 1, transient receptor potential channel interacting; minus strand). Cytogenetic location: 16p13.3.
Variant type: Deletion.
Coding change: c.9407_9426del on transcript NM_001009944.3 (MANE Select); coding-DNA positions 9407 to 9426, 20 bases deleted (CCCACGTGGGCATCATGCTG).
Protein change: p.Ala3136fs; shifts the reading frame from alanine 3136.
Molecular consequence: frameshift variant.
Genome position (GRCh38, 1-based): chr16:2,100,538-2,100,557, CAGCATGATGCCCACGTGGG deleted on the plus strand (CCCACGTGGGCATCATGCTG on the coding strand, the reverse complement: PKD1 is on the minus strand); deleting any 20 consecutive bases within chr16:2,100,538-2,100,558 gives the same sequence; the c. name uses the placement nearest the transcript's 3' end. VCF-style (leftmost placement, unchanged base first): chr16-2100537-ACAGCATGATGCCCACGTGGG-A. GRCh37 (hg19) VCF-style: chr16-2150538-ACAGCATGATGCCCACGTGGG-A.
Other names: p.Ala3136Valfs*36; c.9407_9426del, p.Ala3136fs (NM_000296.4); short protein forms A3136fs.
Identifiers: ClinVar variation 3381135 (VCV003381135.1).

ClinVar aggregate classification (germline): Likely pathogenic (1 of 4 stars; one submission).

Submission:

Mayo Clinic Laboratories, Mayo Clinic
Classification: Likely pathogenic. Last evaluated: 2024-04-03. Review status: criteria provided, single submitter. Criteria: ACMG Guidelines, 2015. Collection method: clinical testing. Allele origin: germline. Observed: 1 variant allele.
Comment: PM2, PVS1